The following is an entry in ClinVar:

NM_004360.5(CDH1):c.*17G>A

Gene: CDH1 (cadherin 1; plus strand). Cytogenetic location: 16q22.1.
Variant type: single nucleotide variant.
Coding change: c.*17G>A on transcript NM_004360.5 (MANE Select); 17 bases downstream of the stop codon, G replaced by A.
Molecular consequence: 3 prime UTR variant.
Genome position (GRCh38, 1-based): chr16:68,833,516, G>A. VCF-style: chr16-68833516-G-A. GRCh37 (hg19) VCF-style: chr16-68867419-G-A.
Other names: c.*17G>A (LRG_301t1, NM_001317184.2, NM_001317185.2 and 1 more transcripts).
Identifiers: ClinVar variation 385786 (VCV000385786.3), dbSNP rs372936969, ClinGen allele CA8130322.

ClinVar aggregate classification (germline): Likely benign. Review status: criteria provided, multiple submitters, no conflicts (2 of 4 stars). 2 submissions from 2 submitters: Likely benign (2). Last evaluated 2017-10-30.

Conditions:
Hereditary cancer-predisposing syndrome. Also called: Hereditary Cancer Syndrome; Hereditary neoplastic syndrome; Neoplastic Syndromes, Hereditary; Tumor predisposition. Identifiers: Orphanet 140162, MedGen C0027672, MeSH D009386, MONDO:0015356.

Allele frequency attached by ClinVar (database versions not stated): ExAC 0.00003; gnomAD 0.00003 and 0.00005; gnomAD exomes 0.00003; TOPMed 0.00004; ESP Exome Variant Server 0.00008; 1000 Genomes Project 30x 0.00016; 1000 Genomes Project 0.00020.
gnomAD v4.1: 34 of 1,604,620 alleles (0.0021%); highest among the groups gnomAD compares: South Asian, 0.0033%; no homozygotes.

Submissions (2):

GeneDx
Classification: Likely benign. Last evaluated: 2017-10-30. Review status: criteria provided, single submitter. Criteria: GeneDx Variant Classification (06012015). Collection method: clinical testing. Allele origin: germline. Affected: yes.
Comment: This variant is considered likely benign or benign based on one or more of the following criteria: it is a conservative change, it occurs at a poorly conserved position in the protein, it is predicted to be benign by multiple in silico algorithms, and/or has population frequency not consistent with disease.

Color Diagnostics, LLC DBA Color Health
Classification: Likely benign for Hereditary cancer-predisposing syndrome. Last evaluated: 2016-04-27. Review status: criteria provided, single submitter. Criteria: ACMG Guidelines, 2015. Collection method: clinical testing. Allele origin: germline.